The following is an entry in ClinVar:

NM_001122752.2(SERPINI1):c.467A>T (p.Glu156Val)

Gene: SERPINI1 (serpin family I member 1; plus strand). Cytogenetic location: 3q26.1.
Variant type: single nucleotide variant.
Coding change: c.467A>T on transcript NM_001122752.2 (MANE Select); coding-DNA position 467, A replaced by T.
Protein change: p.Glu156Val; replaces glutamic acid 156 with valine.
Molecular consequence: missense variant.
Genome position (GRCh38, 1-based): chr3:167,790,588, A>T. VCF-style: chr3-167790588-A-T. GRCh37 (hg19) VCF-style: chr3-167508376-A-T.
Other names: c.467A>T, p.Glu156Val (NM_005025.5); short protein forms E156V.
Identifiers: ClinVar variation 1475181 (VCV001475181.8), dbSNP rs2108557247, ClinGen allele CA355156382.

ClinVar aggregate classification (germline): Uncertain significance (1 of 4 stars; one submission).

Conditions:
Familial encephalopathy with neuroserpin inclusion bodies. Also called: ENCEPHALOPATHY, FAMILIAL, WITH COLLINS BODIES. Identifiers: Orphanet 85110, MedGen C1858680, MONDO:0011412, OMIM 604218.

Submission:

Labcorp Genetics (formerly Invitae), Labcorp
Classification: Uncertain significance for Familial encephalopathy with neuroserpin inclusion bodies. Last evaluated: 2024-02-26. Review status: criteria provided, single submitter. Criteria: Invitae Variant Classification Sherloc (09022015). Collection method: clinical testing. Allele origin: germline.
Comment: This sequence change replaces glutamic acid, which is acidic and polar, with valine, which is neutral and non-polar, at codon 156 of the SERPINI1 protein (p.Glu156Val). This variant is not present in population databases (gnomAD no frequency). This variant has not been reported in the literature in individuals affected with SERPINI1-related conditions. ClinVar contains an entry for this variant (Variation ID: 1475181). Advanced modeling of protein sequence and biophysical properties (such as structural, functional, and spatial information, amino acid conservation, physicochemical variation, residue mobility, and thermodynamic stability) performed at Invitae indicates that this missense variant is not expected to disrupt SERPINI1 protein function with a negative predictive value of 80%. In summary, the available evidence is currently insufficient to determine the role of this variant in disease. Therefore, it has been classified as a Variant of Uncertain Significance.